The following is an entry in ClinVar:

NM_004183.4(BEST1):c.1019A>C (p.Lys340Thr)

Gene: BEST1 (bestrophin 1; plus strand). Cytogenetic location: 11q12.3.
Variant type: single nucleotide variant.
Coding change: c.1019A>C on transcript NM_004183.4 (MANE Select); coding-DNA position 1019, A replaced by C.
Protein change: p.Lys340Thr; replaces lysine 340 with threonine.
Molecular consequence: missense variant. On other transcripts: non-coding transcript variant (1).
Genome position (GRCh38, 1-based): chr11:61,959,962, A>C. VCF-style: chr11-61959962-A-C. GRCh37 (hg19) VCF-style: chr11-61727434-A-C.
Other names: c.839A>C, p.Lys280Thr (NM_001139443.3, NM_001300787.2); c.758A>C, p.Lys253Thr (NM_001300786.2); c.701A>C, p.Lys234Thr (NM_001363591.3); c.1222A>C, p.Ser408Arg (NM_001363592.2); c.47A>C, p.Lys16Thr (NM_001363593.3); short protein forms K253T, K280T, K16T, K340T, K234T, S408R.
Identifiers: ClinVar variation 2005049 (VCV002005049.4), dbSNP rs2541400180, ClinGen allele CA380846219.

ClinVar aggregate classification (germline): Uncertain significance (1 of 4 stars; one submission).

Submission:

Labcorp Genetics (formerly Invitae), Labcorp
Classification: Uncertain significance. Last evaluated: 2022-03-11. Review status: criteria provided, single submitter. Criteria: Invitae Variant Classification Sherloc (09022015). Collection method: clinical testing. Allele origin: germline.
Comment: In summary, the available evidence is currently insufficient to determine the role of this variant in disease. Therefore, it has been classified as a Variant of Uncertain Significance. Advanced modeling of protein sequence and biophysical properties (such as structural, functional, and spatial information, amino acid conservation, physicochemical variation, residue mobility, and thermodynamic stability) performed at Invitae indicates that this missense variant is not expected to disrupt BEST1 protein function. This variant has not been reported in the literature in individuals affected with BEST1-related conditions. This variant is not present in population databases (gnomAD no frequency). This sequence change replaces lysine, which is basic and polar, with threonine, which is neutral and polar, at codon 340 of the BEST1 protein (p.Lys340Thr).